The following is an entry in ClinVar:

ClinVar aggregate classification (germline): Likely benign (0 of 4 stars; one submission).

Conditions:
PTPRJ-related disorder. Also called: PTPRJ-related condition.

Allele frequency attached by ClinVar (database versions not stated): gnomAD exomes 0.00003; ExAC 0.00004; gnomAD 0.00005.
gnomAD v4.1: 57 of 1,614,034 alleles (0.0035%); highest among the groups gnomAD compares: Middle Eastern, 0.033%; no homozygotes.

Submission:

PreventionGenetics, part of Exact Sciences
Classification: Likely benign for PTPRJ-related condition. Last evaluated: 2019-07-08. Review status: no assertion criteria provided. Collection method: clinical testing. Allele origin: germline.
Comment: This variant is classified as likely benign based on ACMG/AMP sequence variant interpretation guidelines (Richards et al. 2015 PMID: 25741868, with internal and published modifications).

NM_002843.4(PTPRJ):c.1179G>A (p.Ser393=)

Gene: PTPRJ (protein tyrosine phosphatase receptor type J; plus strand). Cytogenetic location: 11p11.2.
Variant type: single nucleotide variant.
Coding change: c.1179G>A on transcript NM_002843.4 (MANE Select); coding-DNA position 1179, G replaced by A.
Protein change: p.Ser393=; no amino-acid change (serine 393 retained).
Molecular consequence: synonymous variant.
Genome position (GRCh38, 1-based): chr11:48,127,865, G>A. VCF-style: chr11-48127865-G-A. GRCh37 (hg19) VCF-style: chr11-48149417-G-A.
Other names: c.1179G>A, p.Ser393= (NM_001098503.2).
Identifiers: ClinVar variation 3050444 (VCV003050444.2), dbSNP rs748897376, ClinGen allele CA5982102.